The following is an entry in ClinVar:

NM_006015.6(ARID1A):c.5111T>G (p.Phe1704Cys)

Gene: ARID1A (AT-rich interaction domain 1A; plus strand). Cytogenetic location: 1p36.11.
Variant type: single nucleotide variant.
Coding change: c.5111T>G on transcript NM_006015.6 (MANE Select); coding-DNA position 5111, T replaced by G.
Protein change: p.Phe1704Cys; replaces phenylalanine 1704 with cysteine.
Molecular consequence: missense variant.
Genome position (GRCh38, 1-based): chr1:26,775,694, T>G. VCF-style: chr1-26775694-T-G. GRCh37 (hg19) VCF-style: chr1-27102185-T-G.
Other names: c.4460T>G, p.Phe1487Cys (NM_139135.4); short protein forms F1487C, F1704C.
Identifiers: ClinVar variation 2762864 (VCV002762864.3), dbSNP rs2124127227, ClinGen allele CA339182402.

ClinVar aggregate classification (germline): Uncertain significance (1 of 4 stars; one submission).

Submission:

Labcorp Genetics (formerly Invitae), Labcorp
Classification: Uncertain significance. Last evaluated: 2023-09-23. Review status: criteria provided, single submitter. Criteria: Invitae Variant Classification Sherloc (09022015). Collection method: clinical testing. Allele origin: germline.
Comment: In summary, the available evidence is currently insufficient to determine the role of this variant in disease. Therefore, it has been classified as a Variant of Uncertain Significance. Advanced modeling of protein sequence and biophysical properties (such as structural, functional, and spatial information, amino acid conservation, physicochemical variation, residue mobility, and thermodynamic stability) performed at Invitae indicates that this missense variant is expected to disrupt ARID1A protein function. This variant has not been reported in the literature in individuals affected with ARID1A-related conditions. This variant is not present in population databases (gnomAD no frequency). This sequence change replaces phenylalanine, which is neutral and non-polar, with cysteine, which is neutral and slightly polar, at codon 1704 of the ARID1A protein (p.Phe1704Cys).